The following is an entry in ClinVar:

NM_003718.5(CDK13):c.3530C>T (p.Ala1177Val)

Gene: CDK13 (cyclin dependent kinase 13; plus strand). Cytogenetic location: 7p14.1.
Variant type: single nucleotide variant.
Coding change: c.3530C>T on transcript NM_003718.5 (MANE Select); coding-DNA position 3530, C replaced by T.
Protein change: p.Ala1177Val; replaces alanine 1177 with valine.
Molecular consequence: missense variant.
Genome position (GRCh38, 1-based): chr7:40,093,079, C>T. VCF-style: chr7-40093079-C-T. GRCh37 (hg19) VCF-style: chr7-40132678-C-T.
Other names: c.3350C>T, p.Ala1117Val (NM_031267.4); short protein forms A1117V, A1177V.
Identifiers: ClinVar variation 2085923 (VCV002085923.28), dbSNP rs761745378, ClinGen allele CA4228956.
Genomic context (GRCh38, chr7:40,093,079, plus strand): 5'-GAGGAATTCAGCCTTCTTCTCAGACCATCCAGCCTAAAGTGGAGACTGATGCTGCCCAGG[C>T]GGCTGTGCAGAGTGCATTTGCAGTTCTGTTGACTCAGTTAATAAAGGCTCAGCAGTCAAA-3'
Protein context (NP_003709.3, residues 1167-1187): QPKVETDAAQ[Ala1177Val]AVQSAFAVLL

ClinVar aggregate classification (germline): Likely benign. Review status: criteria provided, multiple submitters, no conflicts (2 of 4 stars). 2 submissions from 2 submitters: Likely benign (2). Last evaluated 2025-05-27.

Allele frequency attached by ClinVar (database versions not stated): gnomAD exomes 0.00001; ExAC 0.00002.
gnomAD v4.1: 17 of 1,614,146 alleles (0.0011%); highest among the groups gnomAD compares: Middle Eastern, 0.016%; no homozygotes.

Submissions (2):

Labcorp Genetics (formerly Invitae), Labcorp
Classification: Likely benign. Last evaluated: 2025-05-27. Review status: criteria provided, single submitter. Criteria: Invitae Variant Classification Sherloc (09022015). Collection method: clinical testing. Allele origin: germline.

CeGaT Center for Human Genetics Tuebingen
Classification: Likely benign. Last evaluated: 2022-04-01. Review status: criteria provided, single submitter. Criteria: CeGaT Center For Human Genetics Tuebingen Variant Classification Criteria Version 2. Collection method: clinical testing. Allele origin: germline. Affected: yes. Observed: 1 variant allele.
Comment: CDK13: BS2